The following is an entry in ClinVar:

NM_004281.4(BAG3):c.815G>A (p.Gly272Asp)

Gene: BAG3 (BAG cochaperone 3; plus strand). Cytogenetic location: 10q26.11.
Variant type: single nucleotide variant.
Coding change: c.815G>A on transcript NM_004281.4 (MANE Select); coding-DNA position 815, G replaced by A.
Protein change: p.Gly272Asp; replaces glycine 272 with aspartic acid.
Molecular consequence: missense variant.
Genome position (GRCh38, 1-based): chr10:119,672,562, G>A. VCF-style: chr10-119672562-G-A. GRCh37 (hg19) VCF-style: chr10-121432074-G-A.
Other names: short protein forms G272D.
Identifiers: ClinVar variation 2923616 (VCV002923616.3), dbSNP rs1589630345, ClinGen allele CA378295856.

ClinVar aggregate classification (germline): Uncertain significance (1 of 4 stars; one submission).

Conditions:
Myofibrillar myopathy 6. Identifiers: Orphanet 199340, MedGen C2751831, MONDO:0013061, OMIM 612954.
Dilated cardiomyopathy 1HH (CMD1HH). Identifiers: Orphanet 154, MedGen C3151293, MONDO:0013479, OMIM 613881.

Allele frequency attached by ClinVar (database versions not stated): TOPMed 0.00001.
gnomAD v4.1: 2 of 1,614,084 alleles (0.00012%); highest among the groups gnomAD compares: East Asian, 0.0022%; no homozygotes.

Submission:

Labcorp Genetics (formerly Invitae), Labcorp
Classification: Uncertain significance for Dilated cardiomyopathy 1HH; Myofibrillar myopathy 6. Last evaluated: 2025-03-25. Review status: criteria provided, single submitter. Criteria: Invitae Variant Classification Sherloc (09022015). Collection method: clinical testing. Allele origin: germline.
Comment: This sequence change replaces glycine, which is neutral and non-polar, with aspartic acid, which is acidic and polar, at codon 272 of the BAG3 protein (p.Gly272Asp). This variant is not present in population databases (gnomAD no frequency). This variant has not been reported in the literature in individuals affected with BAG3-related conditions. ClinVar contains an entry for this variant (Variation ID: 2923616). Invitae Evidence Modeling of protein sequence and biophysical properties (such as structural, functional, and spatial information, amino acid conservation, physicochemical variation, residue mobility, and thermodynamic stability) indicates that this missense variant is not expected to disrupt BAG3 protein function with a negative predictive value of 80%. In summary, the available evidence is currently insufficient to determine the role of this variant in disease. Therefore, it has been classified as a Variant of Uncertain Significance.